The following is an entry in ClinVar:

NM_020066.5(FMN2):c.3471T>G (p.Leu1157=)

Gene: FMN2 (formin 2; plus strand). Cytogenetic location: 1q43.
Variant type: single nucleotide variant.
Coding change: c.3471T>G on transcript NM_020066.5 (MANE Select); coding-DNA position 3471, T replaced by G.
Protein change: p.Leu1157=; no amino-acid change (leucine 1157 retained).
Molecular consequence: synonymous variant. On other transcripts: intron variant (1).
Genome position (GRCh38, 1-based): chr1:240,208,283, T>G. VCF-style: chr1-240208283-T-G. GRCh37 (hg19) VCF-style: chr1-240371583-T-G.
Other names: c.3483T>G, p.Leu1161= (NM_001305424.2); c.1986+20021T>G (NM_001348094.2).
Identifiers: ClinVar variation 4874343 (VCV004874343.2).

ClinVar aggregate classification (germline): Likely benign (1 of 4 stars; one submission).

Submission:

CeGaT Center for Human Genetics Tuebingen
Classification: Likely benign. Last evaluated: 2026-04-01. Review status: criteria provided, single submitter. Criteria: CeGaT Center For Human Genetics Tuebingen Variant Classification Criteria Version 2. Collection method: clinical testing. Allele origin: germline. Affected: yes. Observed: 1 variant allele.
Comment: FMN2: PM2:Supporting, BP4, BP7